The following is an entry in ClinVar:

ClinVar aggregate classification (germline): Conflicting classifications of pathogenicity. Review status: criteria provided, conflicting classifications (1 of 4 stars). 5 submissions from 5 submitters: Likely pathogenic (1); Uncertain significance (2); Likely benign (1). 1 of the submissions does not count toward it. Last evaluated 2024-07-09.

Conditions:
SPINK1-related disorder. Also called: SPINK1-related condition.
Hereditary pancreatitis (PCTT). Also called: Hereditary chronic pancreatitis; PRSS1-Related Hereditary Pancreatitis. Identifiers: Orphanet 676, MedGen C0238339, MONDO:0008185, OMIM 167800.
Tropical pancreatitis. Identifiers: Orphanet 103918, MedGen C1842402, MONDO:0011986, OMIM 608189.

Allele frequency attached by ClinVar (database versions not stated): gnomAD 0.00016 and 0.00012; 1000 Genomes Project 0.00080; 1000 Genomes Project 30x 0.00062; gnomAD exomes 0.00010; TOPMed 0.00020.
gnomAD v4.1: 148 of 1,408,460 alleles (0.011%); highest among the groups gnomAD compares: East Asian, 0.22%; no homozygotes.

Submissions (5):

ARUP Laboratories, Molecular Genetics and Genomics, ARUP Laboratories
Classification: Likely benign. Last evaluated: 2024-07-09. Review status: criteria provided, single submitter. Criteria: ARUP Molecular Germline Variant Investigation Process 2024. Collection method: clinical testing. Allele origin: germline.

Fulgent Genetics
Classification: Uncertain significance for Hereditary pancreatitis; Tropical pancreatitis. Last evaluated: 2024-02-08. Review status: criteria provided, single submitter. Criteria: ACMG Guidelines, 2015. Collection method: clinical testing. Allele origin: germline.

PreventionGenetics, part of Exact Sciences
Classification: Uncertain significance for SPINK1-related condition. Last evaluated: 2023-08-24. Review status: criteria provided, single submitter. Criteria: ACMG Guidelines, 2015. Collection method: clinical testing. Allele origin: germline.
Comment: The SPINK1 c.-215G>A variant is located in the 5' untranslated region. This variant has been reported in patients with SPINK1-related disorders (Kaneko et al. 2001. PubMed ID: 11355022). This variant is reported in 0.32% of alleles in individuals of East Asian descent in gnomAD. This variant is frequently observed along with the c.194+2T>C variant, and they are typically in cis (on the same allele) (Kume et al. 2006. PubMed ID: 16849362). At this time, the clinical significance of this variant is uncertain due to the absence of conclusive functional and genetic evidence.

Juno Genomics, Hangzhou Juno Genomics, Inc
Classification: Likely pathogenic for Tropical pancreatitis; Hereditary pancreatitis. Review status: criteria provided, single submitter. Criteria: ACMG Guidelines, 2015. Collection method: clinical testing. Allele origin: germline. Affected: yes.
Comment: Well-established in vitro or in vivo functional studies supportive of a damaging effect on the gene or gene product.;The prevalence of the variant in affected individuals is significantly increased compared to the prevalence in controls.;Patient's phenotype or family history is highly specific for a disease with a single genetic etiology.

OMIM
Classification: Pathogenic for PANCREATITIS, CHRONIC. Last evaluated: 2001-01-01. Review status: no assertion criteria provided. Collection method: literature only. Allele origin: germline. Not counted in ClinVar's aggregate classification.

Literature cited by the submitters: PubMed 11355022 (cited by OMIM).

NM_003122.5(SPINK1):c.-191-24G>A

Gene: SPINK1 (serine peptidase inhibitor Kazal type 1; minus strand). Cytogenetic location: 5q32.
Variant type: single nucleotide variant.
Coding change: c.-191-24G>A on transcript NM_003122.5; 24 bases into the intron before 191 bases upstream of the start codon, G replaced by A.
Molecular consequence: intron variant. On other transcripts: 5 prime UTR variant (1).
Genome position (GRCh38, 1-based): chr5:147,831,792, C>T on the plus strand (G>A on the coding strand, the complement: SPINK1 is on the minus strand). VCF-style: chr5-147831792-C-T. GRCh37 (hg19) VCF-style: chr5-147211355-C-T.
Other names: -215G-A, PROMOTER; c.-215G>A (NM_001354966.2, NM_001354966.1).
Identifiers: ClinVar variation 13762 (VCV000013762.7), dbSNP rs191068215, ClinGen allele CA16612023.
Genomic context (GRCh38, chr5:147,831,792, plus strand): 5'-GTGTCATAGCCTGGCCTCCAGGTTCTGGGAATGTCACCTGTGTAAGAAAGGTGAAAGGAG[C>T]CAGGTGGGCCTGAAACATGCAAGGCAAAGATTCTGTCAGGAAAATAGTTCTAGTGGTTAG-3'